The following is an entry in ClinVar:

ClinVar aggregate classification (germline): Uncertain significance (1 of 4 stars; one submission).

Conditions:
Cardiovascular phenotype. Identifiers: MedGen CN230736.

Allele frequency attached by ClinVar (database versions not stated): gnomAD exomes below 0.00001.
gnomAD v4.1: 1 of 1,607,148 alleles (0.000062%); highest among the groups gnomAD compares: Non-Finnish European, 0.000085%; no homozygotes.

Submission:

Ambry Genetics
Classification: Uncertain significance for Cardiovascular phenotype. Last evaluated: 2023-03-05. Review status: criteria provided, single submitter. Criteria: Ambry Variant Classification Scheme 2023. Collection method: clinical testing. Allele origin: germline.
Comment: The p.E262K variant (also known as c.784G>A) is located in coding exon 8 of the CASQ2 gene. The glutamic acid at codon 262 is replaced by lysine, an amino acid with similar properties. This change occurs in the first base pair of coding exon 8. This amino acid position is conserved. In addition, this alteration is predicted to be deleterious by in silico analysis. Since supporting evidence is limited at this time, the clinical significance of this alteration remains unclear.

NM_001232.4(CASQ2):c.784G>A (p.Glu262Lys)

Gene: CASQ2 (calsequestrin 2; minus strand). Cytogenetic location: 1p13.1.
Variant type: single nucleotide variant.
Coding change: c.784G>A on transcript NM_001232.4 (MANE Select); coding-DNA position 784, G replaced by A.
Protein change: p.Glu262Lys; replaces glutamic acid 262 with lysine.
Molecular consequence: missense variant.
Genome position (GRCh38, 1-based): chr1:115,717,894, C>T on the plus strand (G>A on the coding strand, the complement: CASQ2 is on the minus strand). VCF-style: chr1-115717894-C-T. GRCh37 (hg19) VCF-style: chr1-116260515-C-T.
Other names: short protein forms E262K.
Identifiers: ClinVar variation 2450449 (VCV002450449.2), dbSNP rs2464872160, ClinGen allele CA341767978.